The following is an entry in ClinVar:

ClinVar aggregate classification (germline): Uncertain significance. Review status: criteria provided, multiple submitters, no conflicts (2 of 4 stars). 2 submissions from 2 submitters: Uncertain significance (2). Last evaluated 2026-04-22.

Conditions:
Hereditary cancer-predisposing syndrome. Also called: Neoplastic Syndromes, Hereditary; Tumor predisposition; Hereditary Cancer Syndrome; Hereditary neoplastic syndrome. Identifiers: Orphanet 140162, MedGen C0027672, MeSH D009386, MONDO:0015356.
Hereditary diffuse gastric adenocarcinoma (HDGC). Also called: DIFFUSE GASTRIC AND LOBULAR BREAST CANCER SYNDROME. Identifiers: Orphanet 26106, MedGen C1708349, MONDO:0007648, OMIM 137215.

gnomAD v4.1: 1 of 1,531,854 alleles (0.000065%); highest among the groups gnomAD compares: Non-Finnish European, 0.000088%; no homozygotes.

Submissions (2):

Ambry Genetics
Classification: Uncertain significance for Hereditary cancer-predisposing syndrome. Last evaluated: 2026-04-22. Review status: criteria provided, single submitter. Criteria: Ambry Variant Classification Scheme 2023. Collection method: clinical testing. Allele origin: germline.
Comment: The p.P30S variant (also known as c.88C>T), located in coding exon 2 of the CDH1 gene, results from a C to T substitution at nucleotide position 88. The proline at codon 30 is replaced by serine, an amino acid with similar properties. This amino acid position is highly conserved in available vertebrate species. In addition, this alteration is predicted to be tolerated by in silico analysis. Based on the available evidence, the clinical significance of this variant remains unclear.

Labcorp Genetics (formerly Invitae), Labcorp
Classification: Uncertain significance for Hereditary diffuse gastric adenocarcinoma. Last evaluated: 2021-11-01. Review status: criteria provided, single submitter. Criteria: Invitae Variant Classification Sherloc (09022015). Collection method: clinical testing. Allele origin: germline.
Comment: In summary, the available evidence is currently insufficient to determine the role of this variant in disease. Therefore, it has been classified as a Variant of Uncertain Significance. Algorithms developed to predict the effect of missense changes on protein structure and function output the following: SIFT: "Tolerated"; PolyPhen-2: "Benign"; Align-GVGD: "Class C0". The serine amino acid residue is found in multiple mammalian species, which suggests that this missense change does not adversely affect protein function. This variant has not been reported in the literature in individuals affected with CDH1-related conditions. This variant is not present in population databases (gnomAD no frequency). This sequence change replaces proline, which is neutral and non-polar, with serine, which is neutral and polar, at codon 30 of the CDH1 protein (p.Pro30Ser).

NM_004360.5(CDH1):c.88C>T (p.Pro30Ser)

Gene: CDH1 (cadherin 1; plus strand). Cytogenetic location: 16q22.1.
Variant type: single nucleotide variant.
Coding change: c.88C>T on transcript NM_004360.5 (MANE Select); coding-DNA position 88, C replaced by T.
Protein change: p.Pro30Ser; replaces proline 30 with serine.
Molecular consequence: missense variant. On other transcripts: 5 prime UTR variant (2).
Genome position (GRCh38, 1-based): chr16:68,738,336, C>T. VCF-style: chr16-68738336-C-T. GRCh37 (hg19) VCF-style: chr16-68772239-C-T.
Other names: c.88C>T (NM_004360.3); c.88C>T, p.Pro30Ser (NM_001317184.2); c.-1528C>T (NM_001317185.2); c.-1732C>T (NM_001317186.2); short protein forms P30S.
Identifiers: ClinVar variation 1390649 (VCV001390649.7), dbSNP rs139866691, ClinGen allele CA396451854.